The following is an entry in ClinVar:

NM_001042492.3(NF1):c.3845G>A (p.Ser1282Asn)

Gene: NF1 (neurofibromin 1; plus strand). Cytogenetic location: 17q11.2.
Variant type: single nucleotide variant.
Coding change: c.3845G>A on transcript NM_001042492.3 (MANE Select); coding-DNA position 3845, G replaced by A.
Protein change: p.Ser1282Asn; replaces serine 1282 with asparagine.
Molecular consequence: missense variant.
Genome position (GRCh38, 1-based): chr17:31,235,747, G>A. VCF-style: chr17-31235747-G-A. GRCh37 (hg19) VCF-style: chr17-29562765-G-A.
Other names: c.3845G>A, p.Ser1282Asn (NM_000267.4); short protein forms S1282N.
Identifiers: ClinVar variation 824291 (VCV000824291.8), dbSNP rs1328592308, ClinGen allele CA398992826.
Genomic context (GRCh38, chr17:31,235,747, plus strand): 5'-CTAAAGAAGTAGAATTGGCAGACTCCATGCAGACTCTCTTCCGAGGCAACAGCTTGGCCA[G>A]TAAAATAATGACATTCTGTTTCAAGGTTTGTATCATTCATTTTGTGTGTATGTGTGTGCT-3'
Protein context (NP_001035957.1, residues 1272-1292): QTLFRGNSLA[Ser1282Asn]KIMTFCFKVY

ClinVar aggregate classification (germline): Uncertain significance. Review status: criteria provided, multiple submitters, no conflicts (2 of 4 stars). 3 submissions from 3 submitters: Uncertain significance (3). Last evaluated 2025-09-28.

Conditions:
Cardiovascular phenotype. Identifiers: MedGen CN230736.
Hereditary cancer-predisposing syndrome. Also called: Neoplastic Syndromes, Hereditary; Tumor predisposition; Hereditary Cancer Syndrome; Hereditary neoplastic syndrome. Identifiers: Orphanet 140162, MedGen C0027672, MeSH D009386, MONDO:0015356.
Neurofibromatosis, type 1 (NF1). Also called: VON RECKLINGHAUSEN DISEASE; Peripheral type neurofibromatosis; NEUROFIBROMATOSIS, TYPE I, SOMATIC; Neurofibromatosis, type I. Identifiers: Orphanet 636, MedGen C0027831, MONDO:0018975, OMIM 162200. Disease mechanism: loss of function.

Allele frequency attached by ClinVar (database versions not stated): gnomAD exomes below 0.00001 and 0.00001; TOPMed below 0.00001.
gnomAD v4.1: 1 of 1,614,124 alleles (0.000062%); highest among the groups gnomAD compares: Non-Finnish European, 0.000085%; no homozygotes.

Submissions (3):

Labcorp Genetics (formerly Invitae), Labcorp
Classification: Uncertain significance for Neurofibromatosis, type 1. Last evaluated: 2025-09-28. Review status: criteria provided, single submitter. Criteria: Invitae Variant Classification Sherloc (09022015). Collection method: clinical testing. Allele origin: germline.
Comment: This sequence change replaces serine, which is neutral and polar, with asparagine, which is neutral and polar, at codon 1282 of the NF1 protein (p.Ser1282Asn). This variant is present in population databases (no rsID available, gnomAD 0.002%). This variant has not been reported in the literature in individuals affected with NF1-related conditions. ClinVar contains an entry for this variant (Variation ID: 824291). Invitae Evidence Modeling of protein sequence and biophysical properties (such as structural, functional, and spatial information, amino acid conservation, physicochemical variation, residue mobility, and thermodynamic stability) indicates that this missense variant is expected to disrupt NF1 protein function with a positive predictive value of 95%. This variant disrupts the p.Ser1282 amino acid residue in NF1. Other variant(s) that disrupt this residue have been determined to be pathogenic (PMID: 26962827; internal data). This suggests that this residue is clinically significant, and that variants that disrupt this residue are likely to be disease-causing. In summary, the available evidence is currently insufficient to determine the role of this variant in disease. Therefore, it has been classified as a Variant of Uncertain Significance.

Ambry Genetics
Classification: Uncertain significance for Cardiovascular phenotype; Hereditary cancer-predisposing syndrome. Last evaluated: 2023-10-20. Review status: criteria provided, single submitter. Criteria: Ambry Variant Classification Scheme 2023. Collection method: clinical testing. Allele origin: germline.
Comment: The p.S1282N variant (also known as c.3845G>A), located in coding exon 28 of the NF1 gene, results from a G to A substitution at nucleotide position 3845. The serine at codon 1282 is replaced by asparagine, an amino acid with highly similar properties. This amino acid position is highly conserved in available vertebrate species. In addition, the in silico prediction for this alteration is inconclusive. Since supporting evidence is limited at this time, the clinical significance of this alteration remains unclear.

Blueprint Genetics
Classification: Uncertain significance. Last evaluated: 2020-06-01. Review status: criteria provided, single submitter. Criteria: ACMG Guidelines, 2015. Collection method: clinical testing. Allele origin: germline.

Literature cited by the submitters: PubMed 26962827 (cited by Labcorp Genetics (formerly Invitae), Labcorp).